The following is an entry in ClinVar:

ClinVar aggregate classification (germline): Uncertain significance (1 of 4 stars; one submission).

Submission:

Labcorp Genetics (formerly Invitae), Labcorp
Classification: Uncertain significance. Last evaluated: 2025-09-28. Review status: criteria provided, single submitter. Criteria: Invitae Variant Classification Sherloc (09022015). Collection method: clinical testing. Allele origin: germline.
Comment: This sequence change replaces leucine, which is neutral and non-polar, with proline, which is neutral and non-polar, at codon 17 of the TNFRSF11A protein (p.Leu17Pro). This variant is not present in population databases (gnomAD no frequency). This variant has not been reported in the literature in individuals affected with TNFRSF11A-related conditions. Experimental studies and prediction algorithms are not available or were not evaluated, and the functional significance of this variant is currently unknown. In summary, the available evidence is currently insufficient to determine the role of this variant in disease. Therefore, it has been classified as a Variant of Uncertain Significance.

NM_003839.4(TNFRSF11A):c.50T>C (p.Leu17Pro)

Gene: TNFRSF11A (TNF receptor superfamily member 11a; plus strand). Cytogenetic location: 18q21.33.
Variant type: single nucleotide variant.
Coding change: c.50T>C on transcript NM_003839.4 (MANE Select); coding-DNA position 50, T replaced by C.
Protein change: p.Leu17Pro; replaces leucine 17 with proline.
Molecular consequence: missense variant.
Genome position (GRCh38, 1-based): chr18:62,325,402, T>C. VCF-style: chr18-62325402-T-C. GRCh37 (hg19) VCF-style: chr18-59992635-T-C.
Other names: c.50T>C, p.Leu17Pro (NM_001270949.2, NM_001270950.2, NM_001270951.2 and 1 more transcripts); short protein forms L17P.
Identifiers: ClinVar variation 4763109 (VCV004763109.1).